The following is an entry in ClinVar:

NM_001098511.3(KIF2A):c.-29G>C

Genes: KIF2A (kinesin family member 2A; plus strand), LOC129993961 (ATAC-STARR-seq lymphoblastoid silent region 16051; plus strand). Cytogenetic location: 5q12.1.
Variant type: single nucleotide variant.
Coding change: c.-29G>C on transcript NM_001098511.3 (MANE Select); 29 bases upstream of the start codon, G replaced by C.
Molecular consequence: 5 prime UTR variant.
Genome position (GRCh38, 1-based): chr5:62,306,444, G>C. VCF-style: chr5-62306444-G-C. GRCh37 (hg19) VCF-style: chr5-61602271-G-C.
Other names: c.-313G>C (NM_001243952.2); c.-29G>C (NM_001243953.2, NM_004520.5).
Identifiers: ClinVar variation 515876 (VCV000515876.1), dbSNP rs749977725, ClinGen allele CA658796530.

ClinVar aggregate classification (germline): Likely benign (1 of 4 stars; one submission).

Submission:

GeneDx
Classification: Likely benign. Last evaluated: 2018-03-09. Review status: criteria provided, single submitter. Criteria: GeneDx Variant Classification (06012015). Collection method: clinical testing. Allele origin: germline. Affected: yes.
Comment: This variant is considered likely benign or benign based on one or more of the following criteria: it is a conservative change, it occurs at a poorly conserved position in the protein, it is predicted to be benign by multiple in silico algorithms, and/or has population frequency not consistent with disease.